The following is an entry in ClinVar:

ClinVar aggregate classification (germline): Likely benign. Review status: criteria provided, multiple submitters, no conflicts (2 of 4 stars). 3 submissions from 3 submitters: Likely benign (3). Last evaluated 2025-11-27.

Conditions:
Granulomatous disease, chronic, X-linked. Also called: CYTOCHROME b-NEGATIVE GRANULOMATOUS DISEASE, CHRONIC, X-LINKED; GRANULOMATOUS DISEASE, CHRONIC, X-LINKED, SOMATIC MOSAIC. Identifiers: Orphanet 379, MedGen C1844376, MONDO:0010600, OMIM 306400.

Allele frequency attached by ClinVar (database versions not stated): TOPMed 0.00002; gnomAD exomes 0.00004; gnomAD 0.00006 and 0.00009; ExAC 0.00007; ESP Exome Variant Server 0.00009; 1000 Genomes Project 30x 0.00021; 1000 Genomes Project 0.00026.
gnomAD v4.1: 51 of 1,208,139 alleles (0.0042%); highest among the groups gnomAD compares: Middle Eastern, 0.023%; no homozygotes.

Submissions (3):

Labcorp Genetics (formerly Invitae), Labcorp
Classification: Likely benign for Granulomatous disease, chronic, X-linked. Last evaluated: 2025-11-27. Review status: criteria provided, single submitter. Criteria: Invitae Variant Classification Sherloc (09022015). Collection method: clinical testing. Allele origin: germline.

Blueprint Genetics
Classification: Likely benign. Last evaluated: 2024-08-12. Review status: criteria provided, single submitter. Criteria: ACMG Guidelines, 2015. Collection method: clinical testing. Allele origin: germline.

Women's Health and Genetics/Laboratory Corporation of America, LabCorp
Classification: Likely benign for X-linked Chronic Granulomatous Disease. Last evaluated: 2011-08-18. Review status: criteria provided, single submitter. Criteria: LabCorp Variant Classification Summary - May 2015. Collection method: curation, clinical testing. Allele origin: germline. Inheritance: Xlinked NA. Affected: yes.
ClinVar note: Converted during submission from likely benign to Likely benign.

NM_000397.4(CYBB):c.66C>T (p.Asn22=)

Gene: CYBB (cytochrome b-245 beta chain; plus strand). Cytogenetic location: Xp21.1.
Variant type: single nucleotide variant.
Coding change: c.66C>T on transcript NM_000397.4 (MANE Select); coding-DNA position 66, C replaced by T.
Protein change: p.Asn22=; no amino-acid change (asparagine 22 retained).
Molecular consequence: synonymous variant.
Genome position (GRCh38, 1-based): chrX:37,782,108, C>T. VCF-style: chrX-37782108-C-T. GRCh37 (hg19) VCF-style: chrX-37641361-C-T.
Identifiers: ClinVar variation 35976 (VCV000035976.15), dbSNP rs193922450, ClinGen allele CA213641.